The following is an entry in ClinVar:

NM_003803.4(MYOM1):c.4322T>C (p.Leu1441Pro)

Gene: MYOM1 (myomesin 1; minus strand). Cytogenetic location: 18p11.31.
Variant type: single nucleotide variant.
Coding change: c.4322T>C on transcript NM_003803.4 (MANE Select); coding-DNA position 4322, T replaced by C.
Protein change: p.Leu1441Pro; replaces leucine 1441 with proline.
Molecular consequence: missense variant.
Genome position (GRCh38, 1-based): chr18:3,085,062, A>G on the plus strand (T>C on the coding strand, the complement: MYOM1 is on the minus strand). VCF-style: chr18-3085062-A-G. GRCh37 (hg19) VCF-style: chr18-3085060-A-G.
Other names: c.4034T>C, p.Leu1345Pro (NM_019856.2); short protein forms L1345P, L1441P.
Identifiers: ClinVar variation 1992110 (VCV001992110.4), dbSNP rs1461371274, ClinGen allele CA401710205.

ClinVar aggregate classification (germline): Uncertain significance (1 of 4 stars; one submission).

Conditions:
Hypertrophic cardiomyopathy. Also called: HYPERTROPHIC MYOCARDIOPATHY. Identifiers: Orphanet 217569, MedGen C0007194, MeSH D002312, MONDO:0005045, HP:0001639.

Allele frequency attached by ClinVar (database versions not stated): gnomAD exomes below 0.00001; TOPMed 0.00001.
gnomAD v4.1: 3 of 1,606,908 alleles (0.00019%); highest among the groups gnomAD compares: East Asian, 0.0045%; no homozygotes.

Submission:

Labcorp Genetics (formerly Invitae), Labcorp
Classification: Uncertain significance for Hypertrophic cardiomyopathy. Last evaluated: 2024-03-16. Review status: criteria provided, single submitter. Criteria: Invitae Variant Classification Sherloc (09022015). Collection method: clinical testing. Allele origin: germline.
Comment: This sequence change replaces leucine, which is neutral and non-polar, with proline, which is neutral and non-polar, at codon 1441 of the MYOM1 protein (p.Leu1441Pro). The frequency data for this variant in the population databases is considered unreliable, as metrics indicate poor data quality at this position in the gnomAD database. This variant has not been reported in the literature in individuals affected with MYOM1-related conditions. ClinVar contains an entry for this variant (Variation ID: 1992110). Advanced modeling of protein sequence and biophysical properties (such as structural, functional, and spatial information, amino acid conservation, physicochemical variation, residue mobility, and thermodynamic stability) performed at Invitae indicates that this missense variant is expected to disrupt MYOM1 protein function with a positive predictive value of 80%. In summary, the available evidence is currently insufficient to determine the role of this variant in disease. Therefore, it has been classified as a Variant of Uncertain Significance.